The following is an entry in ClinVar:

ClinVar aggregate classification (germline): Uncertain significance (1 of 4 stars; one submission).

Submission:

GeneDx
Classification: Uncertain significance. Last evaluated: 2023-11-08. Review status: criteria provided, single submitter. Criteria: GeneDx Variant Classification Process June 2021. Collection method: clinical testing. Allele origin: germline. Affected: yes.
Comment: Not observed at significant frequency in large population cohorts (gnomAD); In silico analysis supports that this missense variant has a deleterious effect on protein structure/function; In silico analysis suggests this variant may impact gene splicing. In the absence of RNA/functional studies, the actual effect of this sequence change is unknown.; Has not been previously published as pathogenic or benign to our knowledge

NM_178170.3(NEK8):c.34A>G (p.Arg12Gly)

Gene: NEK8 (NIMA related kinase 8; plus strand). Cytogenetic location: 17q11.2.
Variant type: single nucleotide variant.
Coding change: c.34A>G on transcript NM_178170.3 (MANE Select); coding-DNA position 34, A replaced by G.
Protein change: p.Arg12Gly; replaces arginine 12 with glycine.
Molecular consequence: missense variant.
Genome position (GRCh38, 1-based): chr17:28,728,847, A>G. VCF-style: chr17-28728847-A-G. GRCh37 (hg19) VCF-style: chr17-27055865-A-G.
Other names: short protein forms R12G.
Identifiers: ClinVar variation 3363714 (VCV003363714.1).